The following is an entry in ClinVar:

ClinVar aggregate classification (germline): Benign/Likely benign. Review status: criteria provided, multiple submitters, no conflicts (2 of 4 stars). 3 submissions from 3 submitters: Benign (1); Likely benign (2). Last evaluated 2026-04-27.

Conditions:
Colorectal cancer, susceptibility to, 1. Also called: COLORECTAL ADENOMA AND CANCER, SUSCEPTIBILITY TO; COLORECTAL CANCER, SUSCEPTIBILITY TO, ON CHROMOSOME 9. Identifiers: MedGen C1837315, MONDO:0012132, OMIM 608812.

Allele frequency attached by ClinVar (database versions not stated): gnomAD 0.00001; gnomAD exomes 0.00001 and 0.00003; ExAC 0.00001; TOPMed 0.00001.
gnomAD v4.1: 40 of 1,613,970 alleles (0.0025%); highest among the groups gnomAD compares: Non-Finnish European, 0.0031%; no homozygotes.

Submissions (3):

Myriad Genetics, Inc.
Classification: Benign for Colorectal cancer, susceptibility to, 1. Last evaluated: 2026-04-27. Review status: criteria provided, single submitter. Criteria: Myriad Autosomal Dominant, Autosomal Recessive and X-Linked Classification Criteria (2023). Collection method: clinical testing. Allele origin: unknown.
Comment: This variant is considered benign. This variant is a silent/synonymous amino acid change and it is not expected to impact splicing.

Labcorp Genetics (formerly Invitae), Labcorp
Classification: Likely benign. Last evaluated: 2023-09-01. Review status: criteria provided, single submitter. Criteria: Invitae Variant Classification Sherloc (09022015). Collection method: clinical testing. Allele origin: germline.

Ambry Genetics
Classification: Likely benign. Last evaluated: 2020-01-06. Review status: criteria provided, single submitter. Criteria: Ambry Variant Classification Scheme 2023. Collection method: clinical testing. Allele origin: germline.

NM_024642.5(GALNT12):c.1308G>C (p.Leu436=)

Gene: GALNT12 (polypeptide N-acetylgalactosaminyltransferase 12; plus strand). Cytogenetic location: 9q22.33.
Variant type: single nucleotide variant.
Coding change: c.1308G>C on transcript NM_024642.5 (MANE Select); coding-DNA position 1308, G replaced by C.
Protein change: p.Leu436=; no amino-acid change (leucine 436 retained).
Molecular consequence: synonymous variant.
Genome position (GRCh38, 1-based): chr9:98,840,097, G>C. VCF-style: chr9-98840097-G-C. GRCh37 (hg19) VCF-style: chr9-101602379-G-C.
Identifiers: ClinVar variation 1147492 (VCV001147492.12), dbSNP rs781332510, ClinGen allele CA5154225.
Genomic context (GRCh38, chr9:98,840,097, plus strand): 5'-CCGGGACAAGCTCCAGTGTAAAGACTTCAAGTGGTTCTTGGAGACTGTGTATCCAGAACT[G>C]CATGTGCCTGAGGACAGGCCTGGCTTCTTCGGGATGGTGAGTGAGGGTGGTGGGCCCACG-3'
Protein context (NP_078918.3, residues 426-446): KWFLETVYPE[Leu436=]HVPEDRPGFF